The following is an entry in ClinVar:

ClinVar aggregate classification (germline): Conflicting classifications of pathogenicity. Review status: criteria provided, conflicting classifications (1 of 4 stars). 3 submissions from 3 submitters: Pathogenic (1); Likely pathogenic (1); Uncertain significance (1). Last evaluated 2025-12-18.

Conditions:
Retinoblastoma (RB1). Also called: RETINOBLASTOMA, SOMATIC. Identifiers: Orphanet 790, MedGen C0035335, MeSH D012175, MONDO:0008380, OMIM 180200, HP:0009919. Disease mechanism: loss of function. Inheritance: Both sporadic and heritable forms are tested..
Hereditary cancer-predisposing syndrome. Also called: Neoplastic Syndromes, Hereditary; Tumor predisposition; Hereditary Cancer Syndrome; Hereditary neoplastic syndrome. Identifiers: Orphanet 140162, MedGen C0027672, MeSH D009386, MONDO:0015356.

Submissions (3):

Ambry Genetics
Classification: Pathogenic for Hereditary cancer-predisposing syndrome. Last evaluated: 2025-12-18. Review status: criteria provided, single submitter. Criteria: Ambry Variant Classification Scheme 2023. Collection method: clinical testing. Allele origin: germline.
Comment: The c.137G>C pathogenic mutation (also known as p.R46T), located in coding exon 1 of the RB1 gene, results from a G to C substitution at nucleotide position 137. The amino acid change results in arginine to threonine at codon 46, an amino acid with similar properties. However, this change occurs in the last base pair of coding exon 1, which makes it likely to have some effect on normal mRNA splicing. This variant was reported in individual(s) with features consistent with RB1-related hereditary retinoblastoma (Nichols KE et al. Hum Mutat, 2005 Jun;25:566-74; external communication; Ambry internal data). Other variant(s) at the same codon, p.R46K (c.137G>A), have been identified in individual(s) with features consistent with RB1-related hereditary retinoblastoma (Ambry internal data). This nucleotide position is highly conserved in available vertebrate species. In silico splice site analysis for this alteration is inconclusive. This amino acid position is highly conserved in available vertebrate species. In addition, as a missense substitution the in silico prediction for this alteration is inconclusive. Based on the supporting evidence, this variant is interpreted as a disease-causing mutation.

Genetic Diagnostic Laboratory, University of Pennsylvania School of Medicine
Classification: Likely pathogenic for Retinoblastoma. Last evaluated: 2024-05-20. Review status: criteria provided, single submitter. Criteria: ACMG Guidelines, 2015. Collection method: clinical testing. Allele origin: germline. Affected: yes. Observed: 3 variant alleles.
Comment: Case and Pedigree Information: BILATERAL CASES:3, UNILATERAL CASES:0, TOTAL CASES:3, PEDIGREES:3. ACMG Codes Applied:PVS1, PM2

Labcorp Genetics (formerly Invitae), Labcorp
Classification: Uncertain significance for Retinoblastoma. Last evaluated: 2021-06-04. Review status: criteria provided, single submitter. Criteria: Invitae Variant Classification Sherloc (09022015). Collection method: clinical testing. Allele origin: germline.
Comment: This variant has been observed in individual(s) bilateral retinoblastoma (PMID: 15884040). In summary, the available evidence is currently insufficient to determine the role of this variant in disease. Therefore, it has been classified as a Variant of Uncertain Significance. Nucleotide substitutions within the consensus splice site are a relatively common cause of aberrant splicing (PMID: 17576681, 9536098). Algorithms developed to predict the effect of sequence changes on RNA splicing suggest that this variant may disrupt the consensus splice site, but this prediction has not been confirmed by published transcriptional studies. Algorithms developed to predict the effect of missense changes on protein structure and function (SIFT, PolyPhen-2, Align-GVGD) all suggest that this variant is likely to be tolerated, but these predictions have not been confirmed by published functional studies and their clinical significance is uncertain. The frequency data for this variant in the population databases is considered unreliable, as metrics indicate insufficient coverage at this position in the ExAC database. This sequence change replaces arginine with threonine at codon 46 of the RB1 protein (p.Arg46Thr). The arginine residue is moderately conserved and there is a moderate physicochemical difference between arginine and threonine. This variant also falls at the last nucleotide of exon 1, which is part of the consensus splice site for this exon.

Literature cited by the submitters: PubMed 15884040 (cited by Ambry Genetics and Labcorp Genetics (formerly Invitae), Labcorp); PubMed 17576681 (cited by Labcorp Genetics (formerly Invitae), Labcorp); PubMed 9536098 (cited by Labcorp Genetics (formerly Invitae), Labcorp).

NM_000321.3(RB1):c.137G>C (p.Arg46Thr)

Gene: RB1 (RB transcriptional corepressor 1; plus strand). Cytogenetic location: 13q14.2.
Variant type: single nucleotide variant.
Coding change: c.137G>C on transcript NM_000321.3 (MANE Select); coding-DNA position 137, G replaced by C.
Protein change: p.Arg46Thr; replaces arginine 46 with threonine.
Molecular consequence: missense variant.
Genome position (GRCh38, 1-based): chr13:48,304,049, G>C. VCF-style: chr13-48304049-G-C. GRCh37 (hg19) VCF-style: chr13-48878185-G-C.
Other names: c.137G>C (NM_000321.2); short protein forms R46T.
Identifiers: ClinVar variation 1508052 (VCV001508052.8), dbSNP rs2138028088, ClinGen allele CA388250405.
Genomic context (GRCh38, chr13:48,304,049, plus strand): 5'-CGCCCCCTCCTGAGGAGGACCCAGAGCAGGACAGCGGCCCGGAGGACCTGCCTCTCGTCA[G>C]GTGAGCGAGCAGAGCCGCCGTCGCCTCACGCGGGAAGGGCGCCCCGGGTGTGCGTAGGGC-3'
Protein context (NP_000312.2, residues 36-56): DSGPEDLPLV[Arg46Thr]LEFEETEEPD